The following is an entry in ClinVar:

NM_005898.5(CAPRIN1):c.841G>A (p.Glu281Lys)

Gene: CAPRIN1 (cell cycle associated protein 1; plus strand). Cytogenetic location: 11p13.
Variant type: single nucleotide variant.
Coding change: c.841G>A on transcript NM_005898.5 (MANE Select); coding-DNA position 841, G replaced by A.
Protein change: p.Glu281Lys; replaces glutamic acid 281 with lysine.
Molecular consequence: missense variant.
Genome position (GRCh38, 1-based): chr11:34,082,839, G>A. VCF-style: chr11-34082839-G-A. GRCh37 (hg19) VCF-style: chr11-34104386-G-A.
Other names: c.841G>A, p.Glu281Lys (NM_203364.3); short protein forms E281K.
Identifiers: ClinVar variation 3898820 (VCV003898820.1).

ClinVar aggregate classification (germline): Uncertain significance (1 of 4 stars; one submission).

Submission:

GeneDx
Classification: Uncertain significance. Last evaluated: 2024-11-11. Review status: criteria provided, single submitter. Criteria: GeneDx Variant Classification Process June 2021. Collection method: clinical testing. Allele origin: germline. Affected: yes.
Comment: Not observed at significant frequency in large population cohorts (gnomAD); In silico analysis indicates that this missense variant does not alter protein structure/function; Has not been previously published as pathogenic or benign to our knowledge